The following is an entry in ClinVar:

ClinVar aggregate classification (germline): Conflicting classifications of pathogenicity. Review status: criteria provided, conflicting classifications (1 of 4 stars). 2 submissions from 2 submitters: Uncertain significance (1); Likely benign (1). Last evaluated 2025-12-08.

Conditions:
Inborn genetic diseases. Identifiers: MedGen C0950123, MeSH D030342.

Submissions (2):

Labcorp Genetics (formerly Invitae), Labcorp
Classification: Uncertain significance. Last evaluated: 2025-12-08. Review status: criteria provided, single submitter. Criteria: Invitae Variant Classification Sherloc (09022015). Collection method: clinical testing. Allele origin: germline.
Comment: This sequence change replaces lysine, which is basic and polar, with glutamic acid, which is acidic and polar, at codon 340 of the MBD4 protein (p.Lys340Glu). This variant is not present in population databases (gnomAD no frequency). This variant has not been reported in the literature in individuals affected with MBD4-related conditions. ClinVar contains an entry for this variant (Variation ID: 3701472). An algorithm developed to predict the effect of missense changes on protein structure and function outputs the following: PolyPhen-2: "Benign". The glutamic acid amino acid residue is found in multiple mammalian species, which suggests that this missense change does not adversely affect protein function. In summary, the available evidence is currently insufficient to determine the role of this variant in disease. Therefore, it has been classified as a Variant of Uncertain Significance.

Ambry Genetics
Classification: Likely benign for Inborn genetic diseases. Last evaluated: 2025-02-07. Review status: criteria provided, single submitter. Criteria: Ambry Variant Classification Scheme 2023. Collection method: clinical testing. Allele origin: germline.

NM_001276270.2(MBD4):c.1018A>G (p.Lys340Glu)

Gene: MBD4 (methyl-CpG binding domain 4, DNA glycosylase; minus strand). Cytogenetic location: 3q21.3.
Variant type: single nucleotide variant.
Coding change: c.1018A>G on transcript NM_001276270.2 (MANE Select); coding-DNA position 1018, A replaced by G.
Protein change: p.Lys340Glu; replaces lysine 340 with glutamic acid.
Molecular consequence: missense variant. On other transcripts: intron variant (1).
Genome position (GRCh38, 1-based): chr3:129,436,626, T>C on the plus strand (A>G on the coding strand, the complement: MBD4 is on the minus strand). VCF-style: chr3-129436626-T-C. GRCh37 (hg19) VCF-style: chr3-129155469-T-C.
Other names: c.1018A>G, p.Lys340Glu (NM_001276271.2, NM_001276272.2, NM_003925.3); c.247+1182A>G (NM_001276273.2); short protein forms K340E.
Identifiers: ClinVar variation 3701472 (VCV003701472.3).
Genomic context (GRCh38, chr3:129,436,626, plus strand): 5'-TTCCGATTTCTTCAGATTCTAAAAAGGTATCCTCATACTTCTCGTTGTGTTCTGAGTCTT[T>C]GGCTGAACAAAATTTGTTTATGATGCCAGAAGTTTTTTGTTCAGAACAAAAATTTGATCC-3'
Protein context (NP_001263199.1, residues 330-350): SGIINKFCSA[Lys340Glu]DSEHNEKYED